The following is an entry in ClinVar:

NM_001396959.1(TBC1D1):c.2778G>C (p.Val926=)

Gene: TBC1D1 (TBC1 domain family member 1; plus strand). Cytogenetic location: 4p14.
Variant type: single nucleotide variant.
Coding change: c.2778G>C on transcript NM_001396959.1 (MANE Select); coding-DNA position 2778, G replaced by C.
Protein change: p.Val926=; no amino-acid change (valine 926 retained).
Molecular consequence: synonymous variant.
Genome position (GRCh38, 1-based): chr4:38,103,096, G>C. VCF-style: chr4-38103096-G-C. GRCh37 (hg19) VCF-style: chr4-38104717-G-C.
Other names: c.2778G>C, p.Val926= (NM_001253912.2); c.2496G>C, p.Val832= (NM_015173.4).
Identifiers: ClinVar variation 3029801 (VCV003029801.2), dbSNP rs780598959, ClinGen allele CA2888110.

ClinVar aggregate classification (germline): Likely benign (0 of 4 stars; one submission).

Conditions:
TBC1D1-related disorder. Also called: TBC1D1-related condition.

Allele frequency attached by ClinVar (database versions not stated): ExAC 0.00001; gnomAD 0.00005; TOPMed 0.00005.
gnomAD v4.1: 146 of 1,613,990 alleles (0.009%); highest among the groups gnomAD compares: Non-Finnish European, 0.012%; no homozygotes.

Submission:

PreventionGenetics, part of Exact Sciences
Classification: Likely benign for TBC1D1-related condition. Last evaluated: 2022-11-08. Review status: no assertion criteria provided. Collection method: clinical testing. Allele origin: germline.
Comment: This variant is classified as likely benign based on ACMG/AMP sequence variant interpretation guidelines (Richards et al. 2015 PMID: 25741868, with internal and published modifications).